The following is an entry in ClinVar:

ClinVar aggregate classification (germline): Likely pathogenic (1 of 4 stars; one submission).

Conditions:
Smith-Lemli-Opitz syndrome (SLOS). Also called: LETHAL ACRODYSGENITAL SYNDROME; POLYDACTYLY, SEX REVERSAL, RENAL HYPOPLASIA, AND UNILOBAR LUNG; RSH SYNDROME; RUTLEDGE LETHAL MULTIPLE CONGENITAL ANOMALY SYNDROME; 7-Dehydrocholesterol reductase deficiency. Identifiers: Orphanet 818, MedGen C0175694, MONDO:0010035, OMIM 270400.

Submission:

Natera, Inc.
Classification: Likely pathogenic for Smith-Lemli-Opitz syndrome. Last evaluated: 2024-12-20. Review status: criteria provided, single submitter. Criteria: Natera Variant Classification Schema (03/2026). Collection method: clinical testing. Allele origin: germline.
Comment: The c.438T>A variant in DHCR7 is a missense variant predicted to cause substitution of asparagine to lysine at amino acid 146. This variant is rare in the general population with a frequency below the threshold expected for the associated phenotype(s). Another variant at this same site results in an alteration predicted to cause a similar molecular effect has been observed in individual(s) with the associated phenotype. Computational prediction algorithms indicate this variant is likely to affect gene or protein function. Given the available evidence, this variant is classified as Likely Pathogenic.

NM_001360.3(DHCR7):c.438T>A (p.Asn146Lys)

Gene: DHCR7 (7-dehydrocholesterol reductase; minus strand). Cytogenetic location: 11q13.4.
Variant type: single nucleotide variant.
Coding change: c.438T>A on transcript NM_001360.3 (MANE Select); coding-DNA position 438, T replaced by A.
Protein change: p.Asn146Lys; replaces asparagine 146 with lysine.
Molecular consequence: missense variant.
Genome position (GRCh38, 1-based): chr11:71,441,415, A>T on the plus strand (T>A on the coding strand, the complement: DHCR7 is on the minus strand). VCF-style: chr11-71441415-A-T. GRCh37 (hg19) VCF-style: chr11-71152461-A-T.
Other names: c.438T>A, p.Asn146Lys (NM_001163817.2, NM_001425107.1, NM_001425109.1 and 7 more transcripts); c.474T>A, p.Asn158Lys (NM_001425108.1); c.378T>A, p.Asn126Lys (NM_001425113.1); c.342T>A, p.Asn114Lys (NM_001425114.1, NM_001425116.1); c.264T>A, p.Asn88Lys (NM_001425117.1); short protein forms N114K, N126K, N146K, N158K, N88K.
Identifiers: ClinVar variation 4814830 (VCV004814830.1).